The following is an entry in ClinVar:

NM_005228.5(EGFR):c.970C>G (p.Arg324Gly)

Gene: EGFR (epidermal growth factor receptor; plus strand). Cytogenetic location: 7p11.2.
Variant type: single nucleotide variant.
Coding change: c.970C>G on transcript NM_005228.5 (MANE Select); coding-DNA position 970, C replaced by G.
Protein change: p.Arg324Gly; replaces arginine 324 with glycine.
Molecular consequence: missense variant.
Genome position (GRCh38, 1-based): chr7:55,155,910, C>G. VCF-style: chr7-55155910-C-G. GRCh37 (hg19) VCF-style: chr7-55223603-C-G.
Other names: c.835C>G, p.Arg279Gly (NM_001346897.2, NM_001346899.2); c.970C>G, p.Arg324Gly (NM_001346898.2, NM_201282.2, NM_201283.2 and 1 more transcripts); c.811C>G, p.Arg271Gly (NM_001346900.2); c.169C>G, p.Arg57Gly (NM_001346941.2); short protein forms R271G, R324G, R279G, R57G.
Identifiers: ClinVar variation 3843775 (VCV003843775.1).

ClinVar aggregate classification (germline): Uncertain significance (1 of 4 stars; one submission).

Conditions:
Hereditary cancer-predisposing syndrome. Also called: Hereditary neoplastic syndrome; Neoplastic Syndromes, Hereditary; Tumor predisposition; Hereditary Cancer Syndrome. Identifiers: Orphanet 140162, MedGen C0027672, MeSH D009386, MONDO:0015356.

Submission:

Ambry Genetics
Classification: Uncertain significance for Hereditary cancer-predisposing syndrome. Last evaluated: 2025-01-03. Review status: criteria provided, single submitter. Criteria: Ambry Variant Classification Scheme 2023. Collection method: clinical testing. Allele origin: germline.
Comment: The p.R324G variant (also known as c.970C>G), located in coding exon 8 of the EGFR gene, results from a C to G substitution at nucleotide position 970. The arginine at codon 324 is replaced by glycine, an amino acid with dissimilar properties. This amino acid position is well conserved in available vertebrate species. In addition, the in silico prediction for this alteration is inconclusive. Based on the available evidence, the clinical significance of this variant remains unclear.